The following is an entry in ClinVar:

NM_000053.4(ATP7B):c.2595dup (p.Lys866Ter)

Gene: ATP7B (ATPase copper transporting beta; minus strand). Cytogenetic location: 13q14.3.
Variant type: Duplication.
Coding change: c.2595dup on transcript NM_000053.4 (MANE Select); coding-DNA position 2595, one base duplicated (T; older notation c.2595dupT).
Protein change: p.Lys866Ter; replaces lysine 866 with a stop codon.
Molecular consequence: nonsense.
Genome position (GRCh38, 1-based): chr13:51,950,142, A duplicated on the plus strand (T on the coding strand, the reverse complement: ATP7B is on the minus strand). VCF-style (leftmost placement, unchanged base first): chr13-51950141-T-TA. GRCh37 (hg19) VCF-style: chr13-52524277-T-TA.
Other names: c.2109dup, p.Lys704Ter (NM_001005918.3, NM_001406541.1, NM_001406542.1 and 1 more transcripts); c.2262dup, p.Lys755Ter (NM_001243182.2); c.2361dup, p.Lys788Ter (NM_001330578.2, NM_001406527.1, NM_001406528.1 and 2 more transcripts); c.2343dup, p.Lys782Ter (NM_001330579.2, NM_001406531.1, NM_001406532.1 and 1 more transcripts); c.2595dup, p.Lys866Ter (NM_001406511.1, NM_001406512.1, NM_001406513.1 and 7 more transcripts); c.2562dup, p.Lys855Ter (NM_001406514.1); c.2499dup, p.Lys834Ter (NM_001406517.1, NM_001406518.1); c.2451dup, p.Lys818Ter (NM_001406520.1, NM_001406521.1, NM_001406522.1 and 1 more transcripts); and 8 more; short protein forms K436*, K786*, K672*, K704*, K723*, K755*, K788*, K807*.
Identifiers: ClinVar variation 2826124 (VCV002826124.3), dbSNP rs2547671469, ClinGen allele CA2739277662.

ClinVar aggregate classification (germline): Pathogenic (1 of 4 stars; one submission).

Conditions:
Wilson disease (WND). Also called: Wilson's disease. Identifiers: Orphanet 905, MedGen C0019202, MONDO:0010200, OMIM 277900. Disease mechanism: loss of function.

Submission:

Labcorp Genetics (formerly Invitae), Labcorp
Classification: Pathogenic for Wilson disease. Last evaluated: 2023-01-03. Review status: criteria provided, single submitter. Criteria: Invitae Variant Classification Sherloc (09022015). Collection method: clinical testing. Allele origin: germline.
Comment: For these reasons, this variant has been classified as Pathogenic. This variant has not been reported in the literature in individuals affected with ATP7B-related conditions. This variant is not present in population databases (gnomAD no frequency). This sequence change creates a premature translational stop signal (p.Lys866*) in the ATP7B gene. It is expected to result in an absent or disrupted protein product. Loss-of-function variants in ATP7B are known to be pathogenic (PMID: 10441329, 16283883).

Literature cited by the submitters: PubMed 10441329; PubMed 16283883.